The following is an entry in ClinVar:

ClinVar aggregate classification (germline): Conflicting classifications of pathogenicity. Review status: criteria provided, conflicting classifications (1 of 4 stars). 6 submissions from 6 submitters: Uncertain significance (3); Likely benign (1). 2 of the submissions do not count toward it. Last evaluated 2026-01-21.

Conditions:
Brugada syndrome. Also called: Sudden unexplained nocturnal death syndrome; Sudden Unexplained Death Syndrome; Sudden Unexplained Nocturnal Death Syndrome (SUNDS); Sudden unexpected nocturnal death syndrome. Identifiers: Orphanet 130, MedGen C1142166, MONDO:0015263.
Episodic pain syndrome, familial, 2 (FEPS2). Identifiers: Orphanet 306577, MedGen C3809893, MONDO:0014246, OMIM 615551.
Cardiovascular phenotype. Identifiers: MedGen CN230736.

Allele frequency attached by ClinVar (database versions not stated): gnomAD exomes 0.00004; ExAC 0.00007; ESP Exome Variant Server 0.00008; gnomAD 0.00010; TOPMed 0.00012.
gnomAD v4.1: 194 of 1,614,046 alleles (0.012%); highest among the groups gnomAD compares: Non-Finnish European, 0.016%; no homozygotes.

Submissions (6):

Labcorp Genetics (formerly Invitae), Labcorp
Classification: Uncertain significance for Brugada syndrome. Last evaluated: 2026-01-21. Review status: criteria provided, single submitter. Criteria: Invitae Variant Classification Sherloc (09022015). Collection method: clinical testing. Allele origin: germline.
Comment: This sequence change creates a premature translational stop signal (p.Gln1850*) in the SCN10A gene. While this is not anticipated to result in nonsense mediated decay, it is expected to disrupt the last 107 amino acid(s) of the SCN10A protein. This variant is present in population databases (rs149504103, gnomAD 0.009%). This premature translational stop signal has been observed in individual(s) with Brugada syndrome (PMID: 38426305). ClinVar contains an entry for this variant (Variation ID: 430247). In summary, the available evidence is currently insufficient to determine the role of this variant in disease. Therefore, it has been classified as a Variant of Uncertain Significance.

GeneDx
Classification: Uncertain significance. Last evaluated: 2025-10-21. Review status: criteria provided, single submitter. Criteria: GeneDx Variant Classification Process June 2021. Collection method: clinical testing. Allele origin: germline. Affected: yes.
Comment: Has been reported in a patient with Brugada syndrome (PMID: 38426305); Nonsense variant predicted to result in protein truncation as the last 107 amino acid(s) are lost; This variant is associated with the following publications: (PMID: 38426305)

Ambry Genetics
Classification: Likely benign for Cardiovascular phenotype. Last evaluated: 2022-07-18. Review status: criteria provided, single submitter. Criteria: Ambry Variant Classification Scheme 2023. Collection method: clinical testing. Allele origin: germline.

Fulgent Genetics
Classification: Uncertain significance for Episodic pain syndrome, familial, 2. Last evaluated: 2021-09-28. Review status: criteria provided, single submitter. Criteria: ACMG Guidelines, 2015. Collection method: clinical testing. Allele origin: unknown.

Clinical Genetics, Academic Medical Center
Classification: Uncertain significance. Review status: no assertion criteria provided. Collection method: clinical testing. Allele origin: germline. Affected: yes. Study: VKGL Data-share Consensus. Not counted in ClinVar's aggregate classification.

Joint Genome Diagnostic Labs from Nijmegen and Maastricht, Radboudumc and MUMC+
Classification: Uncertain significance. Review status: no assertion criteria provided. Collection method: clinical testing. Allele origin: germline. Affected: yes. Study: VKGL Data-share Consensus. Not counted in ClinVar's aggregate classification.

Literature cited by the submitters: PubMed 38426305 (cited by Labcorp Genetics (formerly Invitae), Labcorp).

NM_006514.4(SCN10A):c.5548C>T (p.Gln1850Ter)

Gene: SCN10A (sodium voltage-gated channel alpha subunit 10; minus strand). Cytogenetic location: 3p22.2.
Variant type: single nucleotide variant.
Coding change: c.5548C>T on transcript NM_006514.4 (MANE Select); coding-DNA position 5548, C replaced by T.
Protein change: p.Gln1850Ter; replaces glutamine 1850 with a stop codon.
Molecular consequence: nonsense.
Genome position (GRCh38, 1-based): chr3:38,697,672, G>A on the plus strand (C>T on the coding strand, the complement: SCN10A is on the minus strand). VCF-style: chr3-38697672-G-A. GRCh37 (hg19) VCF-style: chr3-38739163-G-A.
Other names: c.5545C>T, p.Gln1849Ter (NM_001293306.2); c.5254C>T, p.Gln1752Ter (NM_001293307.2); short protein forms Q1850*, Q1752*, Q1849*.
Identifiers: ClinVar variation 430247 (VCV000430247.14), dbSNP rs149504103, ClinGen allele CA2319656.